The following is an entry in ClinVar:

NM_019098.5(CNGB3):c.515del (p.Pro172fs)

Gene: CNGB3 (cyclic nucleotide gated channel subunit beta 3; minus strand). Cytogenetic location: 8q21.3.
Variant type: Deletion.
Coding change: c.515del on transcript NM_019098.5 (MANE Select); coding-DNA position 515, one base deleted (C; older notation c.515delC).
Protein change: p.Pro172fs; shifts the reading frame from proline 172.
Molecular consequence: frameshift variant.
Genome position (GRCh38, 1-based): chr8:86,668,147, G deleted on the plus strand (C on the coding strand, the reverse complement: CNGB3 is on the minus strand); the first of 2 consecutive G bases (chr8:86,668,147-86,668,148); deleting either gives the same sequence. VCF-style (leftmost placement, unchanged base first): chr8-86668146-TG-T. GRCh37 (hg19) VCF-style: chr8-87680374-TG-T.
Other names: short protein forms P172fs.
Identifiers: ClinVar variation 5013802 (VCV005013802.1).
Genomic context (GRCh38, chr8:86,668,146, plus strand): 5'-GACTTTGAACCACAACAGCCTGTAGTAATGTTCTGTTGGCTTATCATCGCTTTCTTTTAC[TG>T]GTGGTACAGCCGTGGGCTTTGCTTCATAGGGAAAAAAAAAAAGATGAAACATTTGAAGAG-3'

ClinVar aggregate classification (germline): Pathogenic (1 of 4 stars; one submission).

Conditions:
Achromatopsia 3 (ACHM3). Also called: ACHROMATOPSIA WITH MYOPIA; PINGELAPESE BLINDNESS; TOTAL COLORBLINDNESS WITH MYOPIA; ROD MONOCHROMACY 1; ROD MONOCHROMATISM 1. Identifiers: Orphanet 49382, MedGen C1849792, MONDO:0009875, OMIM 262300.

Submission:

Myriad Genetics, Inc.
Classification: Pathogenic for Achromatopsia 3. Last evaluated: 2024-11-24. Review status: criteria provided, single submitter. Criteria: Myriad Autosomal Dominant, Autosomal Recessive and X-Linked Classification Criteria (2023). Collection method: clinical testing. Allele origin: unknown.
Comment: NM_019098.4(CNGB3):c.515delC(P172Qfs*2) is expected to be pathogenic in the context of achromatopsia, CNGB3-related. This variant is predicted to lead to an abnormal or absent protein product due to the creation of a premature termination codon in CNGB3, a gene where loss-of-function variants are known to be pathogenic. Please note: this variant was assessed in the context of healthy population screening.